The following is an entry in ClinVar:

NM_001128840.3(CACNA1D):c.2995A>C (p.Lys999Gln)

Gene: CACNA1D (calcium voltage-gated channel subunit alpha1 D; plus strand). Cytogenetic location: 3p21.1.
Variant type: single nucleotide variant.
Coding change: c.2995A>C on transcript NM_001128840.3 (MANE Select); coding-DNA position 2995, A replaced by C.
Protein change: p.Lys999Gln; replaces lysine 999 with glutamine.
Molecular consequence: missense variant.
Genome position (GRCh38, 1-based): chr3:53,744,816, A>C. VCF-style: chr3-53744816-A-C. GRCh37 (hg19) VCF-style: chr3-53778843-A-C.
Other names: c.3055A>C, p.Lys1019Gln (NM_000720.4); c.2995A>C, p.Lys999Gln (NM_001128839.3); short protein forms K999Q, K1019Q.
Identifiers: ClinVar variation 1509032 (VCV001509032.6), dbSNP rs1335472287, ClinGen allele CA353246259.

ClinVar aggregate classification (germline): Uncertain significance (1 of 4 stars; one submission).

Submission:

Labcorp Genetics (formerly Invitae), Labcorp
Classification: Uncertain significance. Last evaluated: 2021-07-31. Review status: criteria provided, single submitter. Criteria: Invitae Variant Classification Sherloc (09022015). Collection method: clinical testing. Allele origin: germline.
Comment: In summary, the available evidence is currently insufficient to determine the role of this variant in disease. Therefore, it has been classified as a Variant of Uncertain Significance. Algorithms developed to predict the effect of missense changes on protein structure and function are either unavailable or do not agree on the potential impact of this missense change (SIFT: "Deleterious"; PolyPhen-2: "Probably Damaging"; Align-GVGD: "Class C0"). This variant has not been reported in the literature in individuals affected with CACNA1D-related conditions. This variant is not present in population databases (ExAC no frequency). This sequence change replaces lysine with glutamine at codon 1019 of the CACNA1D protein (p.Lys1019Gln). The lysine residue is highly conserved and there is a small physicochemical difference between lysine and glutamine.